The following is an entry in ClinVar:

ClinVar aggregate classification (germline): Pathogenic. Review status: criteria provided, multiple submitters, no conflicts (2 of 4 stars). 2 submissions from 2 submitters: Pathogenic (2). Last evaluated 2025-05-08.

Conditions:
Progressive muscular dystrophy. Identifiers: Orphanet 206644, MedGen C4551827, MONDO:0016106.
Duchenne muscular dystrophy (DMD). Also called: MUSCULAR DYSTROPHY, PSEUDOHYPERTROPHIC PROGRESSIVE, DUCHENNE TYPE; Duchenne Muscular Dystrophy (DMD). Identifiers: Orphanet 98896, MedGen C0013264, MONDO:0010679, OMIM 310200.

Submissions (2):

Labcorp Genetics (formerly Invitae), Labcorp
Classification: Pathogenic for Duchenne muscular dystrophy. Last evaluated: 2025-05-08. Review status: criteria provided, single submitter. Criteria: Invitae Variant Classification Sherloc (09022015). Collection method: clinical testing. Allele origin: germline.
Comment: This sequence change creates a premature translational stop signal (p.Tyr306*) in the DMD gene. It is expected to result in an absent or disrupted protein product. Loss-of-function variants in DMD are known to be pathogenic (PMID: 16770791, 25007885). This variant is not present in population databases (gnomAD no frequency). This variant has not been reported in the literature in individuals affected with DMD-related conditions. ClinVar contains an entry for this variant (Variation ID: 575175). Algorithms developed to predict the effect of sequence changes on RNA splicing suggest that this variant may disrupt the consensus splice site. For these reasons, this variant has been classified as Pathogenic.

Myriad Genetics, Inc.
Classification: Pathogenic for Progressive muscular dystrophy. Last evaluated: 2024-05-08. Review status: criteria provided, single submitter. Criteria: Myriad Autosomal Dominant, Autosomal Recessive and X-Linked Classification Criteria (2023). Collection method: clinical testing. Allele origin: unknown.
Comment: NM_004006.2(DMD):c.918T>A(Y306*) is expected to be pathogenic in the context of dystrophinopathy (including Duchenne/Becker muscular dystrophy). This variant is predicted to lead to an abnormal or absent protein product due to the creation of a premature termination codon in DMD, a gene where loss-of-function variants are known to be pathogenic. Please note: this variant was assessed in the context of healthy population screening.

Literature cited by the submitters: PubMed 16770791 (cited by Labcorp Genetics (formerly Invitae), Labcorp); PubMed 25007885 (cited by Labcorp Genetics (formerly Invitae), Labcorp).

NM_004006.3(DMD):c.918T>A (p.Tyr306Ter)

Gene: DMD (dystrophin; minus strand). Cytogenetic location: Xp21.1.
Variant type: single nucleotide variant.
Coding change: c.918T>A on transcript NM_004006.3 (MANE Select); coding-DNA position 918, T replaced by A.
Protein change: p.Tyr306Ter; replaces tyrosine 306 with a stop codon.
Molecular consequence: nonsense.
Genome position (GRCh38, 1-based): chrX:32,697,912, A>T on the plus strand (T>A on the coding strand, the complement: DMD is on the minus strand). VCF-style: chrX-32697912-A-T. GRCh37 (hg19) VCF-style: chrX-32716029-A-T.
Other names: c.894T>A, p.Tyr298Ter (NM_000109.4); c.906T>A, p.Tyr302Ter (NM_004009.3); c.549T>A, p.Tyr183Ter (NM_004010.3); short protein forms Y306*, Y183*, Y302*, Y298*.
Identifiers: ClinVar variation 575175 (VCV000575175.8), dbSNP rs149106712, ClinGen allele CA412668495.